The following is an entry in ClinVar:

NM_138701.4(MPLKIP):c.112C>T (p.Pro38Ser)

Gene: MPLKIP (M-phase specific PLK1 interacting protein; minus strand). Cytogenetic location: 7p14.1.
Variant type: single nucleotide variant.
Coding change: c.112C>T on transcript NM_138701.4 (MANE Select); coding-DNA position 112, C replaced by T.
Protein change: p.Pro38Ser; replaces proline 38 with serine.
Molecular consequence: missense variant.
Genome position (GRCh38, 1-based): chr7:40,134,456, G>A on the plus strand (C>T on the coding strand, the complement: MPLKIP is on the minus strand). VCF-style: chr7-40134456-G-A. GRCh37 (hg19) VCF-style: chr7-40174055-G-A.
Other names: short protein forms P38S.
Identifiers: ClinVar variation 1381273 (VCV001381273.8), dbSNP rs2150561828, ClinGen allele CA367308655.
Genomic context (GRCh38, chr7:40,134,456, plus strand): 5'-ACCGGGGCCCGTACGGCGGCGTGTGGTGCGGACTCCCGTACCCGTCTCGAGGGGAGGGCG[G>A]CCGTGGTCCGCCCCCGCCCGGGGTTCCCCGGAAGCTGCTTCCGCTACCCCAACCTCCTCC-3'
Protein context (NP_619646.1, residues 28-48): RGTPGGGGPR[Pro38Ser]PSPRDGYGSP

ClinVar aggregate classification (germline): Uncertain significance (1 of 4 stars; one submission).

Submission:

Labcorp Genetics (formerly Invitae), Labcorp
Classification: Uncertain significance. Last evaluated: 2021-06-13. Review status: criteria provided, single submitter. Criteria: Invitae Variant Classification Sherloc (09022015). Collection method: clinical testing. Allele origin: germline.
Comment: This variant has not been reported in the literature in individuals with MPLKIP-related conditions. Algorithms developed to predict the effect of missense changes on protein structure and function are either unavailable or do not agree on the potential impact of this missense change (SIFT: "Tolerated"; PolyPhen-2: "Not Available"; Align-GVGD: "Class C0"). In summary, the available evidence is currently insufficient to determine the role of this variant in disease. Therefore, it has been classified as a Variant of Uncertain Significance. The frequency data for this variant in the population databases is considered unreliable, as metrics indicate insufficient coverage at this position in the ExAC database. This sequence change replaces proline with serine at codon 38 of the MPLKIP protein (p.Pro38Ser). The proline residue is highly conserved and there is a moderate physicochemical difference between proline and serine.